The following is an entry in ClinVar:

ClinVar aggregate classification (germline): Pathogenic (1 of 4 stars; one submission).

Submission:

Labcorp Genetics (formerly Invitae), Labcorp
Classification: Pathogenic. Last evaluated: 2023-03-04. Review status: criteria provided, single submitter. Criteria: Invitae Variant Classification Sherloc (09022015). Collection method: clinical testing. Allele origin: germline.
Comment: This sequence change creates a premature translational stop signal (p.Phe583Leufs*30) in the HPS6 gene. While this is not anticipated to result in nonsense mediated decay, it is expected to disrupt the last 193 amino acid(s) of the HPS6 protein. This variant is not present in population databases (gnomAD no frequency). This variant has not been reported in the literature in individuals affected with HPS6-related conditions. This variant disrupts a region of the HPS6 protein in which other variant(s) (p.Gln680*) have been determined to be pathogenic (PMID: 27225848, 29054114). This suggests that this is a clinically significant region of the protein, and that variants that disrupt it are likely to be disease-causing. For these reasons, this variant has been classified as Pathogenic.

Literature cited by the submitters: PubMed 27225848; PubMed 29054114.

NM_024747.6(HPS6):c.1743del (p.Phe583fs)

Gene: HPS6 (HPS6 biogenesis of lysosomal organelles complex 2 subunit 3; plus strand). Cytogenetic location: 10q24.32.
Variant type: Deletion.
Coding change: c.1743del on transcript NM_024747.6 (MANE Select); coding-DNA position 1743, one base deleted (A; older notation c.1743delA).
Protein change: p.Phe583fs; shifts the reading frame from phenylalanine 583.
Molecular consequence: frameshift variant.
Genome position (GRCh38, 1-based): chr10:102,067,217, A deleted. VCF-style (leftmost placement, unchanged base first): chr10-102067216-CA-C. GRCh37 (hg19) VCF-style: chr10-103826973-CA-C.
Other names: short protein forms F583fs.
Identifiers: ClinVar variation 2842896 (VCV002842896.3), dbSNP rs2540988430, ClinGen allele CA2739275950.